The following is an entry in ClinVar:

NM_013382.7(POMT2):c.333+1G>T

Gene: POMT2 (protein O-mannosyltransferase 2; minus strand). Cytogenetic location: 14q24.3.
Variant type: single nucleotide variant.
Coding change: c.333+1G>T on transcript NM_013382.7 (MANE Select); the canonical splice donor site of the intron after coding-DNA position 333, G replaced by T.
Molecular consequence: splice donor variant.
Genome position (GRCh38, 1-based): chr14:77,311,948, C>A on the plus strand (G>T on the coding strand, the complement: POMT2 is on the minus strand). VCF-style: chr14-77311948-C-A. GRCh37 (hg19) VCF-style: chr14-77778291-C-A.
Other names: NM_013382.7:c.333+1G>T.
Identifiers: ClinVar variation 2500946 (VCV002500946.3), dbSNP rs1318210394, ClinGen allele CA390502504.

ClinVar aggregate classification (germline): Pathogenic/Likely pathogenic. Review status: criteria provided, multiple submitters, no conflicts (2 of 4 stars). 3 submissions from 3 submitters: Pathogenic (1); Likely pathogenic (2). Last evaluated 2025-10-13.

Conditions:
Muscular dystrophy-dystroglycanopathy (congenital with brain and eye anomalies), type A2. Also called: WALKER-WARBURG SYNDROME OR MUSCLE-EYE-BRAIN DISEASE, POMT2-RELATED; MUSCULAR DYSTROPHY-DYSTROGLYCANOPATHY (CONGENITAL WITH BRAIN AND EYE ANOMALIES), TYPE A, 2. Identifiers: Orphanet 588, Orphanet 899, MedGen C3150411, MONDO:0013154, OMIM 613150.
Autosomal recessive limb-girdle muscular dystrophy type 2N. Also called: MUSCULAR DYSTROPHY-DYSTROGLYCANOPATHY, LIMB-GIRDLE, POMT2-RELATED; Muscular dystrophy-dystroglycanopathy (limb-girdle), type C, 2. Identifiers: Orphanet 206559, MedGen C3150418, MONDO:0013162, OMIM 613158.
Muscular dystrophy-dystroglycanopathy (congenital with impaired intellectual development), type B, 2. Also called: MUSCULAR DYSTROPHY, CONGENITAL, POMT2-RELATED; Muscular dystrophy-dystroglycanopathy (congenital with intellectual disability), type B2. Identifiers: MedGen C3150416, MONDO:0013160, OMIM 613156.

Allele frequency attached by ClinVar (database versions not stated): TOPMed below 0.00001; gnomAD 0.00001.
gnomAD v4.1: 1 of 1,613,944 alleles (0.000062%); highest among the groups gnomAD compares: Non-Finnish European, 0.000085%; no homozygotes.

Submissions (3):

Women's Health and Genetics/Laboratory Corporation of America, LabCorp
Classification: Pathogenic for Muscular dystrophy-dystroglycanopathy (congenital with brain and eye anomalies), type A2. Last evaluated: 2025-10-13. Review status: criteria provided, single submitter. Criteria: LabCorp Variant Classification Summary - May 2015. Collection method: clinical testing. Allele origin: germline.
Comment: Variant summary: POMT2 c.333+1G>T is located in a canonical splice-site and is predicted to affect mRNA splicing resulting in a significantly altered protein due to either exon skipping, shortening, or inclusion of intronic material. Variants that disrupt the consensus splice site are a relatively common cause of aberrant splicing and loss of POMT2 function. The variant allele was found at a frequency of 4e-06 in 251316 control chromosomes. To our knowledge, no occurrence of c.333+1G>T in individuals affected with POMT2-related conditions and no experimental evidence demonstrating its impact on protein function have been reported. In addition, c.333+1G>A has been reported at a homozygous state in a patient with features of congenital muscular dystrophy-dystroglycanopathy with brain and eye anomalies (PMID 6859317) and was evaluated Pathogenic/Likely Pathogenic in CLinVar. ClinVar contains an entry for this variant (Variation ID: 2500946). Based on the evidence outlined above, the variant was classified as pathogenic.

Fulgent Genetics
Classification: Likely pathogenic for Muscular dystrophy-dystroglycanopathy (congenital with brain and eye anomalies), type A2; Muscular dystrophy-dystroglycanopathy (congenital with impaired intellectual development), type B, 2; Autosomal recessive limb-girdle muscular dystrophy type 2N. Last evaluated: 2024-05-23. Review status: criteria provided, single submitter. Criteria: ACMG Guidelines, 2015. Collection method: clinical testing. Allele origin: germline.

Broad Center for Mendelian Genomics, Broad Institute of MIT and Harvard
Classification: Likely pathogenic for Autosomal recessive limb-girdle muscular dystrophy type 2N. Last evaluated: 2023-05-02. Review status: criteria provided, single submitter. Criteria: ACMG Guidelines, 2015. Collection method: curation. Allele origin: germline. Inheritance: Autosomal recessive inheritance.
Comment: The c.333+1G>T variant in POMT2 has not been previously reported in individuals with limb-girdle muscular dystrophy-dystroglycanopathy type C2, but has been identified in 0.0009% (1/113662) of European (non-Finnish) chromosomes by the Genome Aggregation Database (gnomAD; dbSNP ID: rs1318210394). Although this variant has been seen in the general population in a heterozygous state, its frequency is low enough to be consistent with a recessive carrier frequency. This variant is located in the 5' splice region. Computational tools predict a splicing impact, though this information is not predictive enough to determine pathogenicity. Loss of function of the POMT2 gene is an established disease mechanism in autosomal recessive limb-girdle muscular dystrophy-dystroglycanopathy type C2. In summary, although additional studies are required to fully establish its clinical significance, this variant is likely pathogenic for autosomal recessive limb-girdle muscular dystrophy-dystroglycanopathy type C2. ACMG/AMP Criteria applied: PVS1, PM2_Supporting (Richards 2015).